The following is an entry in ClinVar:

ClinVar aggregate classification (germline): Uncertain significance. Review status: criteria provided, multiple submitters, no conflicts (2 of 4 stars). 3 submissions from 3 submitters: Uncertain significance (3). Last evaluated 2025-06-16.

Conditions:
Hereditary cancer-predisposing syndrome. Also called: Hereditary neoplastic syndrome; Tumor predisposition; Neoplastic Syndromes, Hereditary; Hereditary Cancer Syndrome. Identifiers: Orphanet 140162, MedGen C0027672, MeSH D009386, MONDO:0015356.
Familial cancer of breast. Also called: hereditary breast carcinoma; Hereditary breast cancer; BREAST CANCER, FAMILIAL. Identifiers: Orphanet 227535, MedGen C0346153, MONDO:0016419, OMIM 114480. Disease mechanism: loss of function.

Submissions (3):

Ambry Genetics
Classification: Uncertain significance for Hereditary cancer-predisposing syndrome. Last evaluated: 2025-06-16. Review status: criteria provided, single submitter. Criteria: Ambry Variant Classification Scheme 2023. Collection method: clinical testing. Allele origin: germline.
Comment: The p.K224E variant (also known as c.670A>G), located in coding exon 4 of the CHEK2 gene, results from an A to G substitution at nucleotide position 670. The lysine at codon 224 is replaced by glutamic acid, an amino acid with similar properties. This amino acid position is well conserved in available vertebrate species. In addition, the in silico prediction for this alteration is inconclusive. Based on the available evidence, the clinical significance of this variant remains unclear.

Labcorp Genetics (formerly Invitae), Labcorp
Classification: Uncertain significance for Familial cancer of breast. Last evaluated: 2023-01-22. Review status: criteria provided, single submitter. Criteria: Invitae Variant Classification Sherloc (09022015). Collection method: clinical testing. Allele origin: germline.
Comment: This sequence change replaces lysine, which is basic and polar, with glutamic acid, which is acidic and polar, at codon 224 of the CHEK2 protein (p.Lys224Glu). This variant is not present in population databases (gnomAD no frequency). This missense change has been observed in individual(s) with breast cancer (PMID: 22114986). ClinVar contains an entry for this variant (Variation ID: 1692951). Algorithms developed to predict the effect of missense changes on protein structure and function are either unavailable or do not agree on the potential impact of this missense change (SIFT: "Deleterious"; PolyPhen-2: "Possibly Damaging"; Align-GVGD: "Class C0"). Experimental studies have shown that this missense change affects CHEK2 function (PMID: 22114986). In summary, the available evidence is currently insufficient to determine the role of this variant in disease. Therefore, it has been classified as a Variant of Uncertain Significance.

Sema4
Classification: Uncertain significance for Hereditary cancer-predisposing syndrome. Last evaluated: 2021-08-13. Review status: criteria provided, single submitter. Criteria: Sema4 Curation Guidelines. Collection method: curation. Allele origin: germline.
Comment: The CHEK2 c.670A>G (p.K224E) variant has been reported in heterozygosity in at least one individual with breast cancer (PMID: 22114986). Functional studies have shown that this variant impairs kinase activity in vitro (PMID: 22114986). This variant is not reported in the population database Genome Aggregation Database (PMID: 32461654), nor in ClinVar. In silico predictions of the variant's effect on protein function are inconclusive. The evidence is insufficient to meet ACMG/AMP criteria for classifying the variant as benign or pathogenic. Thus, the clinical significance of this variant is currently uncertain.

Literature cited by the submitters: PubMed 22114986 (cited by Labcorp Genetics (formerly Invitae), Labcorp and Sema4).

NM_007194.4(CHEK2):c.670A>G (p.Lys224Glu)

Gene: CHEK2 (checkpoint kinase 2; minus strand). Cytogenetic location: 22q12.1.
Variant type: single nucleotide variant.
Coding change: c.670A>G on transcript NM_007194.4 (MANE Select); coding-DNA position 670, A replaced by G.
Protein change: p.Lys224Glu; replaces lysine 224 with glutamic acid.
Molecular consequence: missense variant. On other transcripts: intron variant (1).
Genome position (GRCh38, 1-based): chr22:28,719,408, T>C on the plus strand (A>G on the coding strand, the complement: CHEK2 is on the minus strand). VCF-style: chr22-28719408-T-C. GRCh37 (hg19) VCF-style: chr22-29115396-T-C.
Other names: c.670A>G, p.Lys224Glu (NM_145862.3); c.482+5478A>G (NM_001349956.3); c.799A>G, p.Lys267Glu (NM_001005735.3, NM_001438294.1); c.7A>G, p.Lys3Glu (NM_001257387.3, NM_001437942.1); c.763A>G, p.Lys255Glu (NM_001438293.1, NM_001438295.1); short protein forms K224E, K267E, K3E, K255E.
Identifiers: ClinVar variation 1692951 (VCV001692951.5), dbSNP rs2146004927, ClinGen allele CA411104879.